The following is an entry in ClinVar:

NM_000179.3(MSH6):c.241G>T (p.Ala81Ser)

Gene: MSH6 (mutS homolog 6; plus strand). Cytogenetic location: 2p16.3.
Variant type: single nucleotide variant.
Coding change: c.241G>T on transcript NM_000179.3 (MANE Select); coding-DNA position 241, G replaced by T.
Protein change: p.Ala81Ser; replaces alanine 81 with serine.
Molecular consequence: missense variant. On other transcripts: 5 prime UTR variant (1), intron variant (1).
Genome position (GRCh38, 1-based): chr2:47,783,474, G>T. VCF-style: chr2-47783474-G-T. GRCh37 (hg19) VCF-style: chr2-48010613-G-T.
Other names: c.-496G>T (NM_001281493.2); c.237+4G>T (NM_001281492.2); short protein forms A81S.
Identifiers: ClinVar variation 525853 (VCV000525853.10), dbSNP rs587779239, ClinGen allele CA346735118.
Genomic context (GRCh38, chr2:47,783,474, plus strand): 5'-GCGCGCTCCGCGTCACCGCCCAAGGCGAAGAACCTCAACGGAGGGCTGCGGAGATCGGTA[G>T]CGCCTGCTGCCCCCACCAGGTAGCGGGGTGGGGGTGGGGTCGAAGGCGGGGGCATAGCGG-3'
Protein context (NP_000170.1, residues 71-91): NLNGGLRRSV[Ala81Ser]PAAPTSCDFS

ClinVar aggregate classification (germline): Uncertain significance. Review status: criteria provided, multiple submitters, no conflicts (2 of 4 stars). 2 submissions from 2 submitters: Uncertain significance (2). Last evaluated 2024-03-06.

Conditions:
Hereditary nonpolyposis colorectal neoplasms. Identifiers: MedGen C0009405, MeSH D003123.
Hereditary cancer-predisposing syndrome. Also called: Neoplastic Syndromes, Hereditary; Tumor predisposition; Hereditary Cancer Syndrome; Hereditary neoplastic syndrome. Identifiers: Orphanet 140162, MedGen C0027672, MeSH D009386, MONDO:0015356.

Submissions (2):

Color Diagnostics, LLC DBA Color Health
Classification: Uncertain significance for Hereditary cancer-predisposing syndrome. Last evaluated: 2024-03-06. Review status: criteria provided, single submitter. Criteria: ACMG Guidelines, 2015. Collection method: clinical testing. Allele origin: germline.
Comment: This missense variant replaces alanine with serine at codon 81 of the MSH6 protein. Computational prediction suggests that this variant may not impact protein structure and function (internally defined REVEL score threshold <= 0.5, PMID: 27666373). Splice site prediction tools suggest that this variant may not impact RNA splicing. To our knowledge, functional studies have not been reported for this variant. This variant has not been reported in individuals affected with hereditary cancer in the literature. This variant has not been identified in the general population by the Genome Aggregation Database (gnomAD). The available evidence is insufficient to determine the role of this variant in disease conclusively. Therefore, this variant is classified as a Variant of Uncertain Significance.

Labcorp Genetics (formerly Invitae), Labcorp
Classification: Uncertain significance for Hereditary nonpolyposis colorectal neoplasms. Last evaluated: 2021-08-27. Review status: criteria provided, single submitter. Criteria: Invitae Variant Classification Sherloc (09022015). Collection method: clinical testing. Allele origin: germline.
Comment: This sequence change replaces alanine with serine at codon 81 of the MSH6 protein (p.Ala81Ser). The alanine residue is weakly conserved and there is a moderate physicochemical difference between alanine and serine. The frequency data for this variant in the population databases is considered unreliable, as metrics indicate insufficient coverage at this position in the ExAC database. This variant has not been reported in the literature in individuals affected with MSH6-related conditions. Algorithms developed to predict the effect of missense changes on protein structure and function output the following: SIFT: "Tolerated"; PolyPhen-2: "Benign"; Align-GVGD: "Class C0". The serine amino acid residue is found in multiple mammalian species, which suggests that this missense change does not adversely affect protein function. In summary, the available evidence is currently insufficient to determine the role of this variant in disease. Therefore, it has been classified as a Variant of Uncertain Significance.